The following is an entry in ClinVar:

ClinVar aggregate classification (germline): Uncertain significance. Review status: criteria provided, multiple submitters, no conflicts (2 of 4 stars). 3 submissions from 3 submitters: Uncertain significance (3). Last evaluated 2024-03-06.

Conditions:
Hereditary cancer-predisposing syndrome. Also called: Neoplastic Syndromes, Hereditary; Tumor predisposition; Hereditary neoplastic syndrome; Hereditary Cancer Syndrome. Identifiers: Orphanet 140162, MedGen C0027672, MeSH D009386, MONDO:0015356.
BAP1-related tumor predisposition syndrome (TPDS1). Also called: BAP1 tumor predisposition syndrome; Tumor susceptibility linked to germline BAP1 mutations; COMMON Syndrome; TUMOR PREDISPOSITION SYNDROME 1. Identifiers: Orphanet 289539, MedGen C3280492, MONDO:0013692, OMIM 614327.

Submissions (3):

Color Diagnostics, LLC DBA Color Health
Classification: Uncertain significance for Hereditary cancer-predisposing syndrome. Last evaluated: 2024-03-06. Review status: criteria provided, single submitter. Criteria: ACMG Guidelines, 2015. Collection method: clinical testing. Allele origin: germline.
Comment: This missense variant replaces glutamic acid with glutamine at codon 201 of the BAP1 protein. Computational prediction suggests that this variant may not impact protein structure and function (internally defined REVEL score threshold <= 0.5, PMID: 27666373). To our knowledge, functional studies have not been reported for this variant. This variant has not been reported in individuals affected with hereditary cancer in the literature. This variant has not been identified in the general population by the Genome Aggregation Database (gnomAD). The available evidence is insufficient to determine the role of this variant in disease conclusively. Therefore, this variant is classified as a Variant of Uncertain Significance.

Labcorp Genetics (formerly Invitae), Labcorp
Classification: Uncertain significance for BAP1-related tumor predisposition syndrome. Last evaluated: 2021-01-07. Review status: criteria provided, single submitter. Criteria: Invitae Variant Classification Sherloc (09022015). Collection method: clinical testing. Allele origin: germline.
Comment: In summary, the available evidence is currently insufficient to determine the role of this variant in disease. Therefore, it has been classified as a Variant of Uncertain Significance. Algorithms developed to predict the effect of missense changes on protein structure and function are either unavailable or do not agree on the potential impact of this missense change (SIFT: "Deleterious"; PolyPhen-2: "Probably Damaging"; Align-GVGD: "Class C0"). This variant has not been reported in the literature in individuals with BAP1-related disease. This variant is not present in population databases (ExAC no frequency). This sequence change replaces glutamic acid with glutamine at codon 201 of the BAP1 protein (p.Glu201Gln). The glutamic acid residue is highly conserved and there is a small physicochemical difference between glutamic acid and glutamine.

Ambry Genetics
Classification: Uncertain significance for Hereditary cancer-predisposing syndrome. Last evaluated: 2020-08-12. Review status: criteria provided, single submitter. Criteria: Ambry Variant Classification Scheme 2023. Collection method: clinical testing. Allele origin: germline.
Comment: The p.E201Q variant (also known as c.601G>C), located in coding exon 8 of the BAP1 gene, results from a G to C substitution at nucleotide position 601. The glutamic acid at codon 201 is replaced by glutamine, an amino acid with highly similar properties. This amino acid position is highly conserved in available vertebrate species. In addition, this alteration is predicted to be tolerated by in silico analysis. Since supporting evidence is limited at this time, the clinical significance of this alteration remains unclear.

NM_004656.4(BAP1):c.601G>C (p.Glu201Gln)

Gene: BAP1 (BRCA1 associated deubiquitinase 1; minus strand). Cytogenetic location: 3p21.1.
Variant type: single nucleotide variant.
Coding change: c.601G>C on transcript NM_004656.4 (MANE Select); coding-DNA position 601, G replaced by C.
Protein change: p.Glu201Gln; replaces glutamic acid 201 with glutamine.
Molecular consequence: missense variant.
Genome position (GRCh38, 1-based): chr3:52,406,887, C>G on the plus strand (G>C on the coding strand, the complement: BAP1 is on the minus strand). VCF-style: chr3-52406887-C-G. GRCh37 (hg19) VCF-style: chr3-52440903-C-G.
Other names: short protein forms E201Q.
Identifiers: ClinVar variation 661456 (VCV000661456.11), dbSNP rs1578225887, ClinGen allele CA353109096.
Genomic context (GRCh38, chr3:52,406,887, plus strand): 5'-ACCCTGCAGTGGCGAGGCCGATACGCTCCATGATGACCCGCCGGGCCTTGTCTGTCCACT[C>G]CTCGTCCTCCCCCCAGGGCCCTAGTGGAGACCAAGACAAGGAATCAGCGAGAAGGAAACC-3'
Protein context (NP_004647.1, residues 191-211): IDHGPWGEDE[Glu201Gln]WTDKARRVIM